The following is an entry in ClinVar:

NM_015295.3(SMCHD1):c.4314T>G (p.Asp1438Glu)

Gene: SMCHD1 (structural maintenance of chromosomes flexible hinge domain containing 1; plus strand). Cytogenetic location: 18p11.32.
Variant type: single nucleotide variant.
Coding change: c.4314T>G on transcript NM_015295.3 (MANE Select); coding-DNA position 4314, T replaced by G.
Protein change: p.Asp1438Glu; replaces aspartic acid 1438 with glutamic acid.
Molecular consequence: missense variant.
Genome position (GRCh38, 1-based): chr18:2,752,520, T>G. VCF-style: chr18-2752520-T-G. GRCh37 (hg19) VCF-style: chr18-2752518-T-G.
Other names: short protein forms D1438E.
Identifiers: ClinVar variation 1407320 (VCV001407320.8), dbSNP rs1011114157, ClinGen allele CA295479990.

ClinVar aggregate classification (germline): Uncertain significance (1 of 4 stars; one submission).

Conditions:
Facioscapulohumeral muscular dystrophy 2 (FSHD2). Also called: MUSCULAR DYSTROPHY, FACIOSCAPULOHUMERAL, TYPE 1B; FACIOSCAPULOHUMERAL MUSCULAR DYSTROPHY 2, DIGENIC; FSHD2, DIGENIC. Identifiers: Orphanet 269, MedGen C1834671, MONDO:0008031, OMIM 158901.

Allele frequency attached by ClinVar (database versions not stated): gnomAD exomes below 0.00001; TOPMed 0.00001.
gnomAD v4.1: 3 of 1,598,132 alleles (0.00019%); highest among the groups gnomAD compares: Non-Finnish European, 0.00026%; no homozygotes.

Submission:

Labcorp Genetics (formerly Invitae), Labcorp
Classification: Uncertain significance for Facioscapulohumeral muscular dystrophy 2. Last evaluated: 2023-10-03. Review status: criteria provided, single submitter. Criteria: Invitae Variant Classification Sherloc (09022015). Collection method: clinical testing. Allele origin: germline.
Comment: This sequence change replaces aspartic acid, which is acidic and polar, with glutamic acid, which is acidic and polar, at codon 1438 of the SMCHD1 protein (p.Asp1438Glu). This variant is present in population databases (no rsID available, gnomAD 0.0009%). This variant has not been reported in the literature in individuals affected with SMCHD1-related conditions. ClinVar contains an entry for this variant (Variation ID: 1407320). Advanced modeling of protein sequence and biophysical properties (such as structural, functional, and spatial information, amino acid conservation, physicochemical variation, residue mobility, and thermodynamic stability) performed at Invitae indicates that this missense variant is not expected to disrupt SMCHD1 protein function. In summary, the available evidence is currently insufficient to determine the role of this variant in disease. Therefore, it has been classified as a Variant of Uncertain Significance.